The following is an entry in ClinVar:

NM_000349.3(STAR):c.319A>T (p.Lys107Ter)

Gene: STAR (steroidogenic acute regulatory protein; minus strand). Cytogenetic location: 8p11.23.
Variant type: single nucleotide variant.
Coding change: c.319A>T on transcript NM_000349.3 (MANE Select); coding-DNA position 319, A replaced by T.
Protein change: p.Lys107Ter; replaces lysine 107 with a stop codon.
Molecular consequence: nonsense.
Genome position (GRCh38, 1-based): chr8:38,146,435, T>A on the plus strand (A>T on the coding strand, the complement: STAR is on the minus strand). VCF-style: chr8-38146435-T-A. GRCh37 (hg19) VCF-style: chr8-38003953-T-A.
Other names: short protein forms K107*.
Identifiers: ClinVar variation 1439981 (VCV001439981.7), dbSNP rs532151097, ClinGen allele CA370701188.
Genomic context (GRCh38, chr8:38,146,435, plus strand): 5'-CCACCACGACCTCCAGCCGGAACACCTTGCCCACATCTGGGACCACTTTACTCATCACTT[T>A]GTCCCCATTGTCCTGTCAGAGAAAGGAGCCCCCAGAAGGTGGTTAGACAAAAATATTCTT-3'

ClinVar aggregate classification (germline): Pathogenic. Review status: criteria provided, multiple submitters, no conflicts (2 of 4 stars). 2 submissions from 2 submitters: Pathogenic (2). Last evaluated 2024-05-08.

Conditions:
Congenital lipoid adrenal hyperplasia due to STAR deficency. Also called: Congenital Lipoid Adrenal Hyperplasia; ADRENAL HYPERPLASIA I; Cholesterol monooxygenase (side-chain cleaving) deficiency; Lipoid adrenal hyperplasia. Identifiers: Orphanet 418, Orphanet 90790, MedGen C0342474, MONDO:0008725, OMIM 201710.

Submissions (2):

Myriad Genetics, Inc.
Classification: Pathogenic for Congenital lipoid adrenal hyperplasia due to STAR deficency. Last evaluated: 2024-05-08. Review status: criteria provided, single submitter. Criteria: Myriad Autosomal Dominant, Autosomal Recessive and X-Linked Classification Criteria (2023). Collection method: clinical testing. Allele origin: unknown.
Comment: NM_000349.2(STAR):c.319A>T(K107*) is expected to be pathogenic in the context of lipoid congenital adrenal hyperplasia. This variant is predicted to lead to an abnormal or absent protein product due to the creation of a premature termination codon in STAR, a gene where loss-of-function variants are known to be pathogenic. Please note: this variant was assessed in the context of healthy population screening.

Labcorp Genetics (formerly Invitae), Labcorp
Classification: Pathogenic. Last evaluated: 2021-03-12. Review status: criteria provided, single submitter. Criteria: Invitae Variant Classification Sherloc (09022015). Collection method: clinical testing. Allele origin: germline.
Comment: This sequence change creates a premature translational stop signal (p.Lys107*) in the STAR gene. It is expected to result in an absent or disrupted protein product. Loss-of-function variants in STAR are known to be pathogenic (PMID: 8948562). This variant is not present in population databases (ExAC no frequency). This variant has not been reported in the literature in individuals with STAR-related conditions. For these reasons, this variant has been classified as Pathogenic.

Literature cited by the submitters: PubMed 8948562 (cited by Labcorp Genetics (formerly Invitae), Labcorp).